The following is an entry in ClinVar:

ClinVar aggregate classification (germline): Likely benign (0 of 4 stars; one submission).

Conditions:
CEP290-related disorder. Also called: CEP290-related condition; CEP290-related disorders. Identifiers: MedGen CN239314.

Submission:

PreventionGenetics, part of Exact Sciences
Classification: Likely benign for CEP290-related condition. Last evaluated: 2024-08-28. Review status: no assertion criteria provided. Collection method: clinical testing. Allele origin: germline.
Comment: This variant is classified as likely benign based on ACMG/AMP sequence variant interpretation guidelines (Richards et al. 2015 PMID: 25741868, with internal and published modifications).

NM_025114.4(CEP290):c.3705C>T (p.Asn1235=)

Gene: CEP290 (centrosomal protein 290; minus strand). Cytogenetic location: 12q21.32.
Variant type: single nucleotide variant.
Coding change: c.3705C>T on transcript NM_025114.4 (MANE Select); coding-DNA position 3705, C replaced by T.
Protein change: p.Asn1235=; no amino-acid change (asparagine 1235 retained).
Molecular consequence: synonymous variant.
Genome position (GRCh38, 1-based): chr12:88,089,356, G>A on the plus strand (C>T on the coding strand, the complement: CEP290 is on the minus strand). VCF-style: chr12-88089356-G-A. GRCh37 (hg19) VCF-style: chr12-88483133-G-A.
Identifiers: ClinVar variation 3345804 (VCV003345804.1).